The following is an entry in ClinVar:

ClinVar aggregate classification (germline): Uncertain significance (1 of 4 stars; one submission).

Conditions:
Charcot-Marie-Tooth disease type 4. Also called: Charcot-Marie-Tooth disease, type IV; Charcot-Marie-Tooth, Type 4. Identifiers: Orphanet 64749, MedGen C4082197, MONDO:0018995.

Allele frequency attached by ClinVar (database versions not stated): gnomAD exomes below 0.00001; ExAC 0.00001.
gnomAD v4.1: 1 of 1,614,144 alleles (0.000062%); no homozygotes.

Submission:

Labcorp Genetics (formerly Invitae), Labcorp
Classification: Uncertain significance for Charcot-Marie-Tooth disease type 4. Last evaluated: 2021-10-28. Review status: criteria provided, single submitter. Criteria: Invitae Variant Classification Sherloc (09022015). Collection method: clinical testing. Allele origin: germline.
Comment: In summary, the available evidence is currently insufficient to determine the role of this variant in disease. Therefore, it has been classified as a Variant of Uncertain Significance. Algorithms developed to predict the effect of missense changes on protein structure and function are either unavailable or do not agree on the potential impact of this missense change (SIFT: "Deleterious"; PolyPhen-2: "Possibly Damaging"; Align-GVGD: "Class C0"). This variant has not been reported in the literature in individuals affected with SBF2-related conditions. This variant is present in population databases (rs762738168, gnomAD 0.0009%). This sequence change replaces cysteine, which is neutral and slightly polar, with arginine, which is basic and polar, at codon 1184 of the SBF2 protein (p.Cys1184Arg).

NM_030962.4(SBF2):c.3550T>C (p.Cys1184Arg)

Gene: SBF2 (SET binding factor 2; minus strand). Cytogenetic location: 11p15.4.
Variant type: single nucleotide variant.
Coding change: c.3550T>C on transcript NM_030962.4 (MANE Select); coding-DNA position 3550, T replaced by C.
Protein change: p.Cys1184Arg; replaces cysteine 1184 with arginine.
Molecular consequence: missense variant.
Genome position (GRCh38, 1-based): chr11:9,832,326, A>G on the plus strand (T>C on the coding strand, the complement: SBF2 is on the minus strand). VCF-style: chr11-9832326-A-G. GRCh37 (hg19) VCF-style: chr11-9853873-A-G.
Other names: c.3550T>C, p.Cys1184Arg (NM_001386339.1); c.3421T>C, p.Cys1141Arg (NM_001386342.1); short protein forms C1141R, C1184R.
Identifiers: ClinVar variation 1485098 (VCV001485098.6), dbSNP rs762738168, ClinGen allele CA5881235.